The following is an entry in ClinVar:

ClinVar aggregate classification (germline): Uncertain significance (1 of 4 stars; one submission).

Conditions:
Immunodeficiency, common variable, 4. Also called: ANTIBODY DEFICIENCY DUE TO BAFFR DEFECT. Identifiers: Orphanet 1572, Orphanet 696925, MedGen C3150739, MONDO:0013284, OMIM 613494.

gnomAD v4.1: 5 of 1,495,064 alleles (0.00033%); highest among the groups gnomAD compares: East Asian, 0.0027%; no homozygotes.

Submission:

Labcorp Genetics (formerly Invitae), Labcorp
Classification: Uncertain significance for Immunodeficiency, common variable, 4. Last evaluated: 2024-05-23. Review status: criteria provided, single submitter. Criteria: Invitae Variant Classification Sherloc (09022015). Collection method: clinical testing. Allele origin: germline.
Comment: This sequence change replaces glycine, which is neutral and non-polar, with serine, which is neutral and polar, at codon 68 of the TNFRSF13C protein (p.Gly68Ser). The frequency data for this variant in the population databases is considered unreliable, as metrics indicate poor data quality at this position in the gnomAD database. This variant has not been reported in the literature in individuals affected with TNFRSF13C-related conditions. An algorithm developed to predict the effect of missense changes on protein structure and function (PolyPhen-2) suggests that this variant is likely to be tolerated. In summary, the available evidence is currently insufficient to determine the role of this variant in disease. Therefore, it has been classified as a Variant of Uncertain Significance.

NM_052945.4(TNFRSF13C):c.202G>A (p.Gly68Ser)

Genes: TNFRSF13C (TNF receptor superfamily member 13C; minus strand), LOC130067574 (ATAC-STARR-seq lymphoblastoid silent region 13813; plus strand). Cytogenetic location: 22q13.2.
Variant type: single nucleotide variant.
Coding change: c.202G>A on transcript NM_052945.4 (MANE Select); coding-DNA position 202, G replaced by A.
Protein change: p.Gly68Ser; replaces glycine 68 with serine.
Molecular consequence: missense variant.
Genome position (GRCh38, 1-based): chr22:41,926,266, C>T on the plus strand (G>A on the coding strand, the complement: TNFRSF13C is on the minus strand). VCF-style: chr22-41926266-C-T. GRCh37 (hg19) VCF-style: chr22-42322270-C-T.
Other names: short protein forms G68S.
Identifiers: ClinVar variation 2907377 (VCV002907377.3), dbSNP rs756436527, ClinGen allele CA411763290.